The following is an entry in ClinVar:

ClinVar aggregate classification (germline): Likely benign. Review status: criteria provided, single submitter (1 of 4 stars). 2 submissions from 2 submitters: Likely benign (1). 1 of the submissions does not count toward it. Last evaluated 2025-05-21.

Conditions:
PLXNA2-related disorder. Also called: PLXNA2-related condition.

Allele frequency attached by ClinVar (database versions not stated): TOPMed 0.00061; ESP Exome Variant Server 0.00069; 1000 Genomes Project 30x 0.00078; 1000 Genomes Project 0.00080.
gnomAD v4.1: 155 of 1,614,116 alleles (0.0096%); highest among the groups gnomAD compares: African/African-American, 0.19%; no homozygotes.

Submissions (2):

Labcorp Genetics (formerly Invitae), Labcorp
Classification: Likely benign. Last evaluated: 2025-05-21. Review status: criteria provided, single submitter. Criteria: Invitae Variant Classification Sherloc (09022015). Collection method: clinical testing. Allele origin: germline.

PreventionGenetics, part of Exact Sciences
Classification: Likely benign for PLXNA2-related condition. Last evaluated: 2021-10-30. Review status: no assertion criteria provided. Collection method: clinical testing. Allele origin: germline. Not counted in ClinVar's aggregate classification.
Comment: This variant is classified as likely benign based on ACMG/AMP sequence variant interpretation guidelines (Richards et al. 2015 PMID: 25741868, with internal and published modifications).

NM_025179.4(PLXNA2):c.752G>T (p.Gly251Val)

Gene: PLXNA2 (plexin A2; minus strand). Cytogenetic location: 1q32.2.
Variant type: single nucleotide variant.
Coding change: c.752G>T on transcript NM_025179.4 (MANE Select); coding-DNA position 752, G replaced by T.
Protein change: p.Gly251Val; replaces glycine 251 with valine.
Molecular consequence: missense variant.
Genome position (GRCh38, 1-based): chr1:208,217,171, C>A on the plus strand (G>T on the coding strand, the complement: PLXNA2 is on the minus strand). VCF-style: chr1-208217171-C-A. GRCh37 (hg19) VCF-style: chr1-208390516-C-A.
Other names: c.752G>T (NM_025179.3); short protein forms G251V.
Identifiers: ClinVar variation 1578668 (VCV001578668.10), dbSNP rs143119210, ClinGen allele CA1374029.
Genomic context (GRCh38, chr1:208,217,171, plus strand): 5'-GCGGAGTTGATGGCCACACCCTCAGGGGTCTCGGGCTGGACAGTGAGAAAGTAGACAAAG[C>A]CCCCACTAGCAAAGCCGTAGATGTAGAAGATGTCAAAGTGGGAGACCAGGGCCAGGGTGT-3'
Protein context (NP_079455.3, residues 241-261): IFYIYGFASG[Gly251Val]FVYFLTVQPE